The following is an entry in ClinVar:

NM_015937.6(PIGT):c.1729C>G (p.Pro577Ala)

Gene: PIGT (phosphatidylinositol glycan anchor biosynthesis class T; plus strand). Cytogenetic location: 20q13.12.
Variant type: single nucleotide variant.
Coding change: c.1729C>G on transcript NM_015937.6 (MANE Select); coding-DNA position 1729, C replaced by G.
Protein change: p.Pro577Ala; replaces proline 577 with alanine.
Molecular consequence: missense variant. On other transcripts: non-coding transcript variant (5).
Genome position (GRCh38, 1-based): chr20:45,425,818, C>G. VCF-style: chr20-45425818-C-G. GRCh37 (hg19) VCF-style: chr20-44054458-C-G.
Other names: c.1561C>G, p.Pro521Ala (NM_001184728.3); c.1528C>G, p.Pro510Ala (NM_001184729.3); c.1423C>G, p.Pro475Ala (NM_001184730.3); short protein forms P510A, P521A, P577A, P475A.
Identifiers: ClinVar variation 1032712 (VCV001032712.1), dbSNP rs764299877, ClinGen allele CA409172426.
Genomic context (GRCh38, chr20:45,425,818, plus strand): 5'-CGCACAGGTGGCCTGGCCAAGCGGCTGGCCAACCTTATCCGGCGCGCCCGAGGTGTCCCC[C>G]CACTCTGATTCTTGCCCTTTCCAGCAGCTGCAGCTGCCGTTTCTCTCTGGGGAGGGGAGC-3'
Protein context (NP_057021.2, residues 567-578): NLIRRARGVP[Pro577Ala]L

ClinVar aggregate classification (germline): Uncertain significance (1 of 4 stars; one submission).

Conditions:
Multiple congenital anomalies-hypotonia-seizures syndrome 3 (MCAHS3). Also called: GLYCOSYLPHOSPHATIDYLINOSITOL BIOSYNTHESIS DEFECT 7. Identifiers: Orphanet 369837, MedGen C3809356, MONDO:0014165, OMIM 615398.

Allele frequency attached by ClinVar (database versions not stated): TOPMed below 0.00001 and 0.00001; gnomAD 0.00001.
gnomAD v4.1: 3 of 1,613,244 alleles (0.00019%); highest among the groups gnomAD compares: Non-Finnish European, 0.00017%; no homozygotes.

Submission:

Baylor Genetics
Classification: Uncertain significance for Multiple congenital anomalies-hypotonia-seizures syndrome 3. Last evaluated: 2018-12-19. Review status: criteria provided, single submitter. Criteria: ACMG Guidelines, 2015. Collection method: clinical testing. Allele origin: unknown. Affected: yes.
Comment: This variant was determined to be of uncertain significance according to ACMG Guidelines, 2015 [PMID:25741868].